The following is an entry in ClinVar:

ClinVar aggregate classification (germline): Uncertain significance (1 of 4 stars; one submission).

Allele frequency attached by ClinVar (database versions not stated): gnomAD exomes below 0.00001; ExAC 0.00001; gnomAD 0.00001; 1000 Genomes Project 30x 0.00016; 1000 Genomes Project 0.00020.

Submission:

Labcorp Genetics (formerly Invitae), Labcorp
Classification: Uncertain significance. Last evaluated: 2025-03-03. Review status: criteria provided, single submitter. Criteria: Invitae Variant Classification Sherloc (09022015). Collection method: clinical testing. Allele origin: germline.
Comment: This sequence change replaces alanine, which is neutral and non-polar, with threonine, which is neutral and polar, at codon 44 of the AP2S1 protein (p.Ala44Thr). This variant is present in population databases (rs539480372, gnomAD 0.006%). This variant has not been reported in the literature in individuals affected with AP2S1-related conditions. ClinVar contains an entry for this variant (Variation ID: 2174637). An algorithm developed to predict the effect of missense changes on protein structure and function (PolyPhen-2) suggests that this variant is likely to be tolerated. In summary, the available evidence is currently insufficient to determine the role of this variant in disease. Therefore, it has been classified as a Variant of Uncertain Significance.

NM_004069.6(AP2S1):c.130G>A (p.Ala44Thr)

Gene: AP2S1 (adaptor related protein complex 2 subunit sigma 1; minus strand). Cytogenetic location: 19q13.32.
Variant type: single nucleotide variant.
Coding change: c.130G>A on transcript NM_004069.6 (MANE Select); coding-DNA position 130, G replaced by A.
Protein change: p.Ala44Thr; replaces alanine 44 with threonine.
Molecular consequence: missense variant.
Genome position (GRCh38, 1-based): chr19:46,846,016, C>T on the plus strand (G>A on the coding strand, the complement: AP2S1 is on the minus strand). VCF-style: chr19-46846016-C-T. GRCh37 (hg19) VCF-style: chr19-47349273-C-T.
Other names: c.178G>A, p.Ala60Thr (NM_001301076.3); c.130G>A, p.Ala44Thr (NM_001301078.3, NM_021575.5); c.136G>A, p.Ala46Thr (NM_001301081.3); short protein forms A46T, A44T, A60T.
Identifiers: ClinVar variation 2174637 (VCV002174637.4), dbSNP rs539480372, ClinGen allele CA9532997.